The following is an entry in ClinVar:

NM_006393.3(NEBL):c.2273A>G (p.Lys758Arg)

Gene: NEBL (nebulette; minus strand). Cytogenetic location: 10p12.31.
Variant type: single nucleotide variant.
Coding change: c.2273A>G on transcript NM_006393.3 (MANE Select); coding-DNA position 2273, A replaced by G.
Protein change: p.Lys758Arg; replaces lysine 758 with arginine.
Molecular consequence: missense variant. On other transcripts: intron variant (9).
Genome position (GRCh38, 1-based): chr10:20,814,012, T>C on the plus strand (A>G on the coding strand, the complement: NEBL is on the minus strand). VCF-style: chr10-20814012-T-C. GRCh37 (hg19) VCF-style: chr10-21102941-T-C.
Other names: c.250-1072A>G (NM_001377326.1, NM_001377327.1, NM_001377328.1); c.358-1072A>G (NM_213569.2, NM_001173484.2, NM_001377322.1); c.301-1072A>G (NM_001377324.1); c.292-1072A>G (NM_001377325.1); c.310-1072A>G (NM_001377323.1); short protein forms K758R.
Identifiers: ClinVar variation 1788815 (VCV001788815.3), dbSNP rs375635703, ClinGen allele CA5432536.

ClinVar aggregate classification (germline): Uncertain significance (1 of 4 stars; one submission).

Allele frequency attached by ClinVar (database versions not stated): ExAC 0.00001; TOPMed 0.00001; gnomAD 0.00002; ESP Exome Variant Server 0.00008.
gnomAD v4.1: 3 of 1,609,642 alleles (0.00019%); highest among the groups gnomAD compares: African/African-American, 0.004%; no homozygotes.

Submission:

Ambry Genetics
Classification: Uncertain significance. Last evaluated: 2024-12-09. Review status: criteria provided, single submitter. Criteria: Ambry Variant Classification Scheme 2023. Collection method: clinical testing. Allele origin: germline.
Comment: The p.K758R variant (also known as c.2273A>G), located in coding exon 23 of the NEBL gene, results from an A to G substitution at nucleotide position 2273. The lysine at codon 758 is replaced by arginine, an amino acid with highly similar properties. This amino acid position is conserved. In addition, this alteration is predicted to be tolerated by in silico analysis. Since supporting evidence is limited at this time, the clinical significance of this alteration remains unclear.